The following is an entry in ClinVar:

ClinVar aggregate classification (germline): Likely benign. Review status: criteria provided, multiple submitters, no conflicts (2 of 4 stars). 3 submissions from 3 submitters: Likely benign (3). Last evaluated 2025-09-22.

Conditions:
Hereditary cancer-predisposing syndrome. Also called: Neoplastic Syndromes, Hereditary; Hereditary neoplastic syndrome; Tumor predisposition; Hereditary Cancer Syndrome. Identifiers: Orphanet 140162, MedGen C0027672, MeSH D009386, MONDO:0015356.
Ataxia-telangiectasia syndrome (AT). Also called: AT, COMPLEMENTATION GROUP C; ATAXIA-TELANGIECTASIA, COMPLEMENTATION GROUP A; ATAXIA-TELANGIECTASIA, FRESNO VARIANT; LOUIS-BAR SYNDROME; Ataxia-telangiectasia; Cerebello-oculocutaneous telangiectasia. Identifiers: Orphanet 100, MedGen C0004135, MONDO:0008840, OMIM 208900.

Allele frequency attached by ClinVar (database versions not stated): gnomAD exomes below 0.00001; TOPMed below 0.00001.
gnomAD v4.1: 7 of 1,612,814 alleles (0.00043%); highest among the groups gnomAD compares: East Asian, 0.0045%; no homozygotes.

Submissions (3):

Labcorp Genetics (formerly Invitae), Labcorp
Classification: Likely benign for Ataxia-telangiectasia syndrome. Last evaluated: 2025-09-22. Review status: criteria provided, single submitter. Criteria: Invitae Variant Classification Sherloc (09022015). Collection method: clinical testing. Allele origin: germline.

Color Diagnostics, LLC DBA Color Health
Classification: Likely benign for Hereditary cancer-predisposing syndrome. Last evaluated: 2016-11-07. Review status: criteria provided, single submitter. Criteria: ACMG Guidelines, 2015. Collection method: clinical testing. Allele origin: germline.

GeneDx
Classification: Likely benign. Last evaluated: 2016-02-26. Review status: criteria provided, single submitter. Criteria: GeneDx Variant Classification (06012015). Collection method: clinical testing. Allele origin: germline. Affected: yes.
Comment: This variant is considered likely benign or benign based on one or more of the following criteria: it is a conservative change, it occurs at a poorly conserved position in the protein, it is predicted to be benign by multiple in silico algorithms, and/or has population frequency not consistent with disease.

NM_000051.4(ATM):c.2638+11A>G

Gene: ATM (ATM serine/threonine kinase; plus strand). Cytogenetic location: 11q22.3.
Variant type: single nucleotide variant.
Coding change: c.2638+11A>G on transcript NM_000051.4 (MANE Select); 11 bases into the intron after coding-DNA position 2638, A replaced by G.
Molecular consequence: intron variant.
Genome position (GRCh38, 1-based): chr11:108,267,353, A>G. VCF-style: chr11-108267353-A-G. GRCh37 (hg19) VCF-style: chr11-108138080-A-G.
Other names: c.2638+11A>G (NM_001351834.2).
Identifiers: ClinVar variation 384288 (VCV000384288.11), dbSNP rs1057521911, ClinGen allele CA16606044.
Genomic context (GRCh38, chr11:108,267,353, plus strand): 5'-TAGTAGTGTTAGTGATGCAAACGAACCTGGAGAGAGCCAAAGTACCATAGGTAAATACAT[A>G]TTTACTACTTGGGATTTCTTTTACTTCTTTATATTGATTTGGCAGTATAAGAGGCCTCAT-3'